The following is an entry in ClinVar:

ClinVar aggregate classification (germline): Uncertain significance (1 of 4 stars; one submission).

Allele frequency attached by ClinVar (database versions not stated): ExAC 0.00004; gnomAD 0.00005; gnomAD exomes 0.00005 and 0.00006; ESP Exome Variant Server 0.00008.
gnomAD v4.1: 101 of 1,614,000 alleles (0.0063%); highest among the groups gnomAD compares: Middle Eastern, 0.033%; no homozygotes.

Submission:

Labcorp Genetics (formerly Invitae), Labcorp
Classification: Uncertain significance. Last evaluated: 2024-10-22. Review status: criteria provided, single submitter. Criteria: Invitae Variant Classification Sherloc (09022015). Collection method: clinical testing. Allele origin: germline.
Comment: This sequence change replaces arginine, which is basic and polar, with cysteine, which is neutral and slightly polar, at codon 81 of the NDUFB8 protein (p.Arg81Cys). This variant is present in population databases (rs375681068, gnomAD 0.01%). This variant has not been reported in the literature in individuals affected with NDUFB8-related conditions. ClinVar contains an entry for this variant (Variation ID: 1479764). An algorithm developed to predict the effect of missense changes on protein structure and function (PolyPhen-2) suggests that this variant is likely to be tolerated. In summary, the available evidence is currently insufficient to determine the role of this variant in disease. Therefore, it has been classified as a Variant of Uncertain Significance.

NM_005004.4(NDUFB8):c.241C>T (p.Arg81Cys)

Gene: NDUFB8 (NADH:ubiquinone oxidoreductase subunit B8; minus strand). Cytogenetic location: 10q24.31.
Variant type: single nucleotide variant.
Coding change: c.241C>T on transcript NM_005004.4 (MANE Select); coding-DNA position 241, C replaced by T.
Protein change: p.Arg81Cys; replaces arginine 81 with cysteine.
Molecular consequence: missense variant.
Genome position (GRCh38, 1-based): chr10:100,527,046, G>A on the plus strand (C>T on the coding strand, the complement: NDUFB8 is on the minus strand). VCF-style: chr10-100527046-G-A. GRCh37 (hg19) VCF-style: chr10-102286803-G-A.
Other names: c.241C>T, p.Arg81Cys (NM_001284367.2); c.148C>T, p.Arg50Cys (NM_001284368.1); short protein forms R81C, R50C.
Identifiers: ClinVar variation 1479764 (VCV001479764.6), dbSNP rs375681068, ClinGen allele CA5650199.